The following is an entry in ClinVar:

NM_182972.3(IRF2BP2):c.1484A>C (p.Asp495Ala)

Gene: IRF2BP2 (interferon regulatory factor 2 binding protein 2; minus strand). Cytogenetic location: 1q42.3.
Variant type: single nucleotide variant.
Coding change: c.1484A>C on transcript NM_182972.3 (MANE Select); coding-DNA position 1484, A replaced by C.
Protein change: p.Asp495Ala; replaces aspartic acid 495 with alanine.
Molecular consequence: missense variant.
Genome position (GRCh38, 1-based): chr1:234,607,417, T>G on the plus strand (A>C on the coding strand, the complement: IRF2BP2 is on the minus strand). VCF-style: chr1-234607417-T-G. GRCh37 (hg19) VCF-style: chr1-234743163-T-G.
Other names: c.1436A>C, p.Asp479Ala (NM_001077397.1); short protein forms D479A, D495A.
Identifiers: ClinVar variation 4777742 (VCV004777742.1).
Genomic context (GRCh38, chr1:234,607,417, plus strand): 5'-TCCTCCAGCCGCTCGTGGCAGAGGGTGCAGCACAGCGGGGCACTGGTTGCCAGAGAGGAG[T>G]CCGGGAGGCTGGCAGGGTGCACTGGCTCCAGTCCTCCTGTGTTGCCTGCTCCCTGGCCCC-3'
Protein context (NP_892017.2, residues 485-505): LEPVHPASLP[Asp495Ala]SSLATSAPLC

ClinVar aggregate classification (germline): Uncertain significance (1 of 4 stars; one submission).

Submission:

Labcorp Genetics (formerly Invitae), Labcorp
Classification: Uncertain significance. Last evaluated: 2025-12-22. Review status: criteria provided, single submitter. Criteria: Invitae Variant Classification Sherloc (09022015). Collection method: clinical testing. Allele origin: germline.
Comment: This sequence change replaces aspartic acid, which is acidic and polar, with alanine, which is neutral and non-polar, at codon 495 of the IRF2BP2 protein (p.Asp495Ala). This variant is not present in population databases (gnomAD no frequency). This variant has not been reported in the literature in individuals affected with IRF2BP2-related conditions. An algorithm developed to predict the effect of missense changes on protein structure and function (PolyPhen-2) suggests that this variant is likely to be disruptive. In summary, the available evidence is currently insufficient to determine the role of this variant in disease. Therefore, it has been classified as a Variant of Uncertain Significance.